The following is an entry in ClinVar:

NM_022166.4(XYLT1):c.1813A>T (p.Asn605Tyr)

Genes: XYLT1 (xylosyltransferase 1; minus strand), LOC102723692 (uncharacterized LOC102723692; plus strand). Cytogenetic location: 16p12.3.
Variant type: single nucleotide variant.
Coding change: c.1813A>T on transcript NM_022166.4 (MANE Select); coding-DNA position 1813, A replaced by T.
Protein change: p.Asn605Tyr; replaces asparagine 605 with tyrosine.
Molecular consequence: missense variant.
Genome position (GRCh38, 1-based): chr16:17,134,687, T>A on the plus strand (A>T on the coding strand, the complement: XYLT1 is on the minus strand). VCF-style: chr16-17134687-T-A. GRCh37 (hg19) VCF-style: chr16-17228544-T-A.
Other names: c.1813A>T (NM_022166.3); short protein forms N605Y.
Identifiers: ClinVar variation 650727 (VCV000650727.10), dbSNP rs770446499, ClinGen allele CA7927760.
Genomic context (GRCh38, chr16:17,134,687, plus strand): 5'-GGGTACCTGCAGGGTAGTTCCCGTACAGGTAATAGTCCAGCTGCCCAATGATTTCCTGAT[T>A]CACCACGGCTTCAAACTTGCGGGCAAAGAAGGTAGGCCGGGCTGTCTGCTGTACTCATGG-3'
Protein context (NP_071449.1, residues 595-615): FFARKFEAVV[Asn605Tyr]QEIIGQLDYY

ClinVar aggregate classification (germline): Uncertain significance. Review status: criteria provided, multiple submitters, no conflicts (2 of 4 stars). 2 submissions from 2 submitters: Uncertain significance (2). Last evaluated 2025-08-19.

Conditions:
Inborn genetic diseases. Identifiers: MedGen C0950123, MeSH D030342.
Desbuquois dysplasia 1 (DBQD1). Also called: MICROMELIC DWARFISM WITH VERTEBRAL AND METAPHYSEAL ABNORMALITIES AND ADVANCED CARPOTARSAL OSSIFICATION; DESBUQUOIS DYSPLASIA 1, KIM VARIANT. Identifiers: Orphanet 1425, MedGen C4012146, MONDO:0009629, OMIM 251450.

Allele frequency attached by ClinVar (database versions not stated): gnomAD 0.00003 and 0.00005; TOPMed 0.00006; ExAC 0.00007; gnomAD exomes 0.00007 and 0.00010.
gnomAD v4.1: 154 of 1,614,050 alleles (0.0095%); highest among the groups gnomAD compares: Non-Finnish European, 0.012%; no homozygotes.

Submissions (2):

Ambry Genetics
Classification: Uncertain significance for Inborn genetic diseases. Last evaluated: 2025-08-19. Review status: criteria provided, single submitter. Criteria: Ambry Variant Classification Scheme 2023. Collection method: clinical testing. Allele origin: germline.

Labcorp Genetics (formerly Invitae), Labcorp
Classification: Uncertain significance for Desbuquois dysplasia 1. Last evaluated: 2022-03-01. Review status: criteria provided, single submitter. Criteria: Invitae Variant Classification Sherloc (09022015). Collection method: clinical testing. Allele origin: germline.
Comment: This sequence change replaces asparagine, which is neutral and polar, with tyrosine, which is neutral and polar, at codon 605 of the XYLT1 protein (p.Asn605Tyr). This variant is present in population databases (rs770446499, gnomAD 0.01%). This variant has not been reported in the literature in individuals affected with XYLT1-related conditions. ClinVar contains an entry for this variant (Variation ID: 650727). Algorithms developed to predict the effect of missense changes on protein structure and function (SIFT, PolyPhen-2, Align-GVGD) all suggest that this variant is likely to be disruptive. In summary, the available evidence is currently insufficient to determine the role of this variant in disease. Therefore, it has been classified as a Variant of Uncertain Significance.